The following is an entry in ClinVar:

ClinVar aggregate classification (germline): Pathogenic (1 of 4 stars; one submission).

Conditions:
Charcot-Marie-Tooth disease type 4. Also called: Charcot-Marie-Tooth, Type 4; Charcot-Marie-Tooth disease, type IV. Identifiers: Orphanet 64749, MedGen C4082197, MONDO:0018995.

Submission:

Labcorp Genetics (formerly Invitae), Labcorp
Classification: Pathogenic for Charcot-Marie-Tooth disease type 4. Last evaluated: 2022-11-19. Review status: criteria provided, single submitter. Criteria: Invitae Variant Classification Sherloc (09022015). Collection method: clinical testing. Allele origin: unknown.
Comment: A gross deletion of the genomic region encompassing the full coding sequence of the MTMR2 gene has been identified. Loss-of-function variants in MTMR2 are known to be pathogenic (PMID: 10802647). The boundaries of this event are unknown as they extend beyond the assayed region for this gene and therefore may encompass additional genes. For these reasons, this variant has been classified as Pathogenic. This variant has not been reported in the literature in individuals affected with MTMR2-related conditions.

Literature cited by the submitters: PubMed 10802647.

NC_000011.9:g.(?_95568454)_(95657118_?)del

Gene: MTMR2 (myotubularin related protein 2; minus strand). Cytogenetic location: 11q21.
Variant type: Deletion.
Identifiers: ClinVar variation 3244697 (VCV003244697.1).